The following is an entry in ClinVar:

NM_000264.5(PTCH1):c.3979A>G (p.Thr1327Ala)

Gene: PTCH1 (patched 1; minus strand). Cytogenetic location: 9q22.32.
Variant type: single nucleotide variant.
Coding change: c.3979A>G on transcript NM_000264.5 (MANE Select); coding-DNA position 3979, A replaced by G.
Protein change: p.Thr1327Ala; replaces threonine 1327 with alanine.
Molecular consequence: missense variant. On other transcripts: non-coding transcript variant (1).
Genome position (GRCh38, 1-based): chr9:95,447,277, T>C on the plus strand (A>G on the coding strand, the complement: PTCH1 is on the minus strand). VCF-style: chr9-95447277-T-C. GRCh37 (hg19) VCF-style: chr9-98209559-T-C.
Other names: c.3781A>G, p.Thr1261Ala (NM_001083602.3); c.3976A>G, p.Thr1326Ala (NM_001083603.3); c.3526A>G, p.Thr1176Ala (NM_001083604.3, NM_001083605.3, NM_001083606.3 and 1 more transcripts); c.3823A>G, p.Thr1275Ala (NM_001354918.2); short protein forms T1176A, T1261A, T1275A, T1326A, T1327A.
Identifiers: ClinVar variation 1001365 (VCV001001365.9), dbSNP rs761753681, ClinGen allele CA5137988.

ClinVar aggregate classification (germline): Uncertain significance (1 of 4 stars; one submission).

Conditions:
Gorlin syndrome. Also called: Nevoid Basal Cell Carcinoma Syndrome; Basal cell nevus syndrome. Identifiers: Orphanet 377, MedGen C0004779, MONDO:0007187.

Allele frequency attached by ClinVar (database versions not stated): gnomAD exomes below 0.00001 and 0.00001; ExAC 0.00001.
gnomAD v4.1: 8 of 1,612,882 alleles (0.0005%); highest among the groups gnomAD compares: Non-Finnish European, 0.00068%; no homozygotes.

Submission:

Labcorp Genetics (formerly Invitae), Labcorp
Classification: Uncertain significance for Gorlin syndrome. Last evaluated: 2020-04-17. Review status: criteria provided, single submitter. Criteria: Invitae Variant Classification Sherloc (09022015). Collection method: clinical testing. Allele origin: germline.
Comment: In summary, the available evidence is currently insufficient to determine the role of this variant in disease. Therefore, it has been classified as a Variant of Uncertain Significance. Algorithms developed to predict the effect of missense changes on protein structure and function are either unavailable or do not agree on the potential impact of this missense change (SIFT: "Deleterious"; PolyPhen-2: "Benign"; Align-GVGD: "Class C0"). This variant has not been reported in the literature in individuals with PTCH1-related conditions. This variant is present in population databases (rs761753681, ExAC 0.002%). This sequence change replaces threonine with alanine at codon 1327 of the PTCH1 protein (p.Thr1327Ala). The threonine residue is moderately conserved and there is a small physicochemical difference between threonine and alanine.